The following is an entry in ClinVar:

NC_000002.12:g.101019004T>C

Genes: RPL31 (ribosomal protein L31; plus strand), TBC1D8 (TBC1 domain family member 8; minus strand). Cytogenetic location: 2q11.2.
Variant type: single nucleotide variant.
Molecular consequence: intron variant (on NM_001330348.2). On other transcripts: missense variant (1).
Genome position: GRCh38 VCF-style: chr2-101019004-T-C. GRCh37 (hg19) VCF-style: chr2-101635466-T-C.
Other names: c.353T>C, p.Val118Ala (NM_001098577.3); c.2782+2677A>G (NM_001102426.3); c.2827+2677A>G (NM_001330348.2); short protein forms V118A.
Identifiers: ClinVar variation 4768764 (VCV004768764.1).
Genomic context (GRCh38, chr2:101,019,004, plus strand): 5'-CGTCTGTGTGTTACCTGACATGGTACCAAATCATCTGTAATATTTCTGTGCTAGTTTCTG[T>C]GCTAAACAGTGTTACAGTCGCCAAGAGCCCATAAAGGGAGCCCTCCTGGAAGTGGATGAG-3'

ClinVar aggregate classification (germline): Uncertain significance (1 of 4 stars; one submission).

Submission:

Labcorp Genetics (formerly Invitae), Labcorp
Classification: Uncertain significance. Last evaluated: 2025-12-15. Review status: criteria provided, single submitter. Criteria: Invitae Variant Classification Sherloc (09022015). Collection method: clinical testing. Allele origin: germline.
Comment: This sequence change replaces valine, which is neutral and non-polar, with alanine, which is neutral and non-polar, at codon 118 of the RPL31 protein (p.Val118Ala). This variant is not present in population databases (gnomAD no frequency). This variant has not been reported in the literature in individuals affected with RPL31-related conditions. An algorithm developed to predict the effect of missense changes on protein structure and function outputs the following: PolyPhen-2: "Benign". The alanine amino acid residue is found in multiple mammalian species, which suggests that this missense change does not adversely affect protein function. In summary, the available evidence is currently insufficient to determine the role of this variant in disease. Therefore, it has been classified as a Variant of Uncertain Significance.